The following is an entry in ClinVar:

ClinVar aggregate classification (germline): Uncertain significance (1 of 4 stars; one submission).

Submission:

Labcorp Genetics (formerly Invitae), Labcorp
Classification: Uncertain significance. Last evaluated: 2022-09-22. Review status: criteria provided, single submitter. Criteria: Invitae Variant Classification Sherloc (09022015). Collection method: clinical testing. Allele origin: germline.
Comment: In summary, the available evidence is currently insufficient to determine the role of this variant in disease. Therefore, it has been classified as a Variant of Uncertain Significance. Algorithms developed to predict the effect of missense changes on protein structure and function (SIFT, PolyPhen-2, Align-GVGD) all suggest that this variant is likely to be disruptive. This variant has not been reported in the literature in individuals affected with SUCO-related conditions. This variant is not present in population databases (gnomAD no frequency). This sequence change replaces tyrosine, which is neutral and polar, with histidine, which is basic and polar, at codon 943 of the SUCO protein (p.Tyr943His).

NM_014283.5(SUCO):c.2827T>C (p.Tyr943His)

Gene: SUCO (SUN domain containing ossification factor; plus strand). Cytogenetic location: 1q24.3.
Variant type: single nucleotide variant.
Coding change: c.2827T>C on transcript NM_014283.5 (MANE Select); coding-DNA position 2827, T replaced by C.
Protein change: p.Tyr943His; replaces tyrosine 943 with histidine.
Molecular consequence: missense variant.
Genome position (GRCh38, 1-based): chr1:172,590,985, T>C. VCF-style: chr1-172590985-T-C. GRCh37 (hg19) VCF-style: chr1-172560125-T-C.
Other names: c.1714T>C, p.Tyr572His (NM_001282750.2); c.1138T>C, p.Tyr380His (NM_001282751.2); c.3280T>C, p.Tyr1094His (NM_016227.4); short protein forms Y943H, Y380H, Y1094H, Y572H.
Identifiers: ClinVar variation 2068805 (VCV002068805.4), dbSNP rs2527431616, ClinGen allele CA343745196.
Genomic context (GRCh38, chr1:172,590,985, plus strand): 5'-ATTACTAAGTGGAATAAGTAAGAAATTAAAGCTGATTTAGACCAATTCTTACTTCATAGG[T>C]ACCGAAAACAAATGGAAGAAATGCAAAAGGCTTTCAATAAAACAATCGTGAAACTTCAGA-3'
Protein context (NP_055098.1, residues 933-953): GRYLEELSQR[Tyr943His]RKQMEEMQKA